The following is an entry in ClinVar:

ClinVar aggregate classification (germline): Pathogenic (1 of 4 stars; one submission).

Submission:

Labcorp Genetics (formerly Invitae), Labcorp
Classification: Pathogenic. Last evaluated: 2021-10-11. Review status: criteria provided, single submitter. Criteria: Invitae Variant Classification Sherloc (09022015). Collection method: clinical testing. Allele origin: germline.
Comment: For these reasons, this variant has been classified as Pathogenic. This variant has not been reported in the literature in individuals affected with USH2A-related conditions. This variant is not present in population databases (ExAC no frequency). This sequence change creates a premature translational stop signal (p.Arg4769Ilefs*12) in the USH2A gene. It is expected to result in an absent or disrupted protein product. Loss-of-function variants in USH2A are known to be pathogenic (PMID: 10729113, 10909849, 20507924, 25649381).

Literature cited by the submitters: PubMed 10729113; PubMed 10909849; PubMed 20507924; PubMed 25649381.

NM_206933.4(USH2A):c.14302_14305dup (p.Arg4769fs)

Gene: USH2A (usherin; minus strand). Cytogenetic location: 1q41.
Variant type: Duplication.
Coding change: c.14302_14305dup on transcript NM_206933.4 (MANE Select); coding-DNA positions 14302 to 14305, 4 bases duplicated (TACA; older notation c.14302_14305dupTACA).
Protein change: p.Arg4769fs; shifts the reading frame from arginine 4769.
Molecular consequence: frameshift variant.
Genome position (GRCh38, 1-based): chr1:215,650,630-215,650,633, TGTA duplicated on the plus strand (TACA on the coding strand, the reverse complement: USH2A is on the minus strand). VCF-style (leftmost placement, unchanged base first): chr1-215650629-C-CTGTA. GRCh37 (hg19) VCF-style: chr1-215823971-C-CTGTA.
Other names: short protein forms R4769fs.
Identifiers: ClinVar variation 1433530 (VCV001433530.6), dbSNP rs2102644805, ClinGen allele CA2573131558.
Genomic context (GRCh38, chr1:215,650,629, plus strand): 5'-GGATTTTTAGCTCTGCTGCTCACCACTGTCTCAGCCCCATGGGCGCTGCTGGAGAACAGC[C>CTGTA]TGTAGAGACTGACGATCCCGTTGGGCTTCCCAGGGGCACTGATGTTGACCACTGCTTGGG-3'